The following is an entry in ClinVar:

ClinVar aggregate classification (germline): Uncertain significance (1 of 4 stars; one submission).

Submission:

Labcorp Genetics (formerly Invitae), Labcorp
Classification: Uncertain significance. Last evaluated: 2024-10-21. Review status: criteria provided, single submitter. Criteria: Invitae Variant Classification Sherloc (09022015). Collection method: clinical testing. Allele origin: germline.
Comment: This sequence change replaces asparagine, which is neutral and polar, with aspartic acid, which is acidic and polar, at codon 2177 of the LRP2 protein (p.Asn2177Asp). This variant is not present in population databases (gnomAD no frequency). This variant has not been reported in the literature in individuals affected with LRP2-related conditions. ClinVar contains an entry for this variant (Variation ID: 1500165). Invitae Evidence Modeling of protein sequence and biophysical properties (such as structural, functional, and spatial information, amino acid conservation, physicochemical variation, residue mobility, and thermodynamic stability) indicates that this missense variant is not expected to disrupt LRP2 protein function with a negative predictive value of 95%. In summary, the available evidence is currently insufficient to determine the role of this variant in disease. Therefore, it has been classified as a Variant of Uncertain Significance.

NM_004525.3(LRP2):c.6529A>G (p.Asn2177Asp)

Gene: LRP2 (LDL receptor related protein 2; minus strand). Cytogenetic location: 2q31.1.
Variant type: single nucleotide variant.
Coding change: c.6529A>G on transcript NM_004525.3 (MANE Select); coding-DNA position 6529, A replaced by G.
Protein change: p.Asn2177Asp; replaces asparagine 2177 with aspartic acid.
Molecular consequence: missense variant.
Genome position (GRCh38, 1-based): chr2:169,207,191, T>C on the plus strand (A>G on the coding strand, the complement: LRP2 is on the minus strand). VCF-style: chr2-169207191-T-C. GRCh37 (hg19) VCF-style: chr2-170063701-T-C.
Other names: short protein forms N2177D.
Identifiers: ClinVar variation 1500165 (VCV001500165.6), dbSNP rs2105334111, ClinGen allele CA349126933.